The following is an entry in ClinVar:

NM_025114.4(CEP290):c.6311A>C (p.Lys2104Thr)

Genes: CEP290 (centrosomal protein 290; minus strand), LOC129390514 (MPRA-validated peak1864 silencer; plus strand). Cytogenetic location: 12q21.32.
Variant type: single nucleotide variant.
Coding change: c.6311A>C on transcript NM_025114.4 (MANE Select); coding-DNA position 6311, A replaced by C.
Protein change: p.Lys2104Thr; replaces lysine 2104 with threonine.
Molecular consequence: missense variant.
Genome position (GRCh38, 1-based): chr12:88,062,738, T>G on the plus strand (A>C on the coding strand, the complement: CEP290 is on the minus strand). VCF-style: chr12-88062738-T-G. GRCh37 (hg19) VCF-style: chr12-88456515-T-G.
Other names: c.6311A>C (NM_025114.3); short protein forms K2104T.
Identifiers: ClinVar variation 1980920 (VCV001980920.5), dbSNP rs763959276, ClinGen allele CA6711529.

ClinVar aggregate classification (germline): Uncertain significance. Review status: criteria provided, multiple submitters, no conflicts (2 of 4 stars). 4 submissions from 4 submitters: Uncertain significance (4). Last evaluated 2026-01-19.

Conditions:
Inborn genetic diseases. Identifiers: MedGen C0950123, MeSH D030342.
Joubert syndrome. Also called: CEREBELLOPARENCHYMAL DISORDER IV; JOUBERT-BOLTSHAUSER SYNDROME; Familial aplasia of the vermis. Identifiers: Orphanet 475, MedGen C5979921, MONDO:0018772.
Meckel-Gruber syndrome. Also called: DYSENCEPHALIA SPLANCHNOCYSTICA; GRUBER SYNDROME; Dysencephalia splachnocystica. Identifiers: Orphanet 564, MedGen C0265215, MONDO:0018921.
Nephronophthisis. Also called: Juvenile Nephronophthisis. Identifiers: Orphanet 655, MedGen C0687120, MONDO:0019005, HP:0000090.
Joubert syndrome 5 (JBTS5). Identifiers: Orphanet 2318, MedGen C1857780, MONDO:0012432, OMIM 610188.
Senior-Loken syndrome 6 (SLSN6). Identifiers: Orphanet 3156, MedGen C1857779, MONDO:0012433, OMIM 610189.
Bardet-Biedl syndrome 14 (BBS14). Identifiers: Orphanet 110, MedGen C2673874, MONDO:0014442, OMIM 615991.
Leber congenital amaurosis 10 (LCA10). Identifiers: Orphanet 65, MedGen C1857821, MONDO:0012723, OMIM 611755.
Meckel syndrome, type 4 (MKS4). Also called: MECKEL-GRUBER SYNDROME, TYPE 4. Identifiers: Orphanet 564, MedGen C1970161, MONDO:0012626, OMIM 611134.

Allele frequency attached by ClinVar (database versions not stated): ExAC 0.00004.
gnomAD v4.1: 3 of 1,598,730 alleles (0.00019%); highest among the groups gnomAD compares: Admixed American, 0.0052%; no homozygotes.

Submissions (4):

Labcorp Genetics (formerly Invitae), Labcorp
Classification: Uncertain significance for Joubert syndrome; Meckel-Gruber syndrome; Nephronophthisis. Last evaluated: 2026-01-19. Review status: criteria provided, single submitter. Criteria: Invitae Variant Classification Sherloc (09022015). Collection method: clinical testing. Allele origin: germline.
Comment: This sequence change replaces lysine, which is basic and polar, with threonine, which is neutral and polar, at codon 2104 of the CEP290 protein (p.Lys2104Thr). This variant is present in population databases (rs763959276, gnomAD 0.006%). This variant has not been reported in the literature in individuals affected with CEP290-related conditions. ClinVar contains an entry for this variant (Variation ID: 1980920). Invitae Evidence Modeling of protein sequence and biophysical properties (such as structural, functional, and spatial information, amino acid conservation, physicochemical variation, residue mobility, and thermodynamic stability) indicates that this missense variant is expected to disrupt CEP290 protein function with a positive predictive value of 80%. In summary, the available evidence is currently insufficient to determine the role of this variant in disease. Therefore, it has been classified as a Variant of Uncertain Significance.

Ambry Genetics
Classification: Uncertain significance for Inborn genetic diseases. Last evaluated: 2025-05-14. Review status: criteria provided, single submitter. Criteria: Ambry Variant Classification Scheme 2023. Collection method: clinical testing. Allele origin: germline.

Fulgent Genetics
Classification: Uncertain significance for Joubert syndrome 5; Senior-Loken syndrome 6; Meckel syndrome, type 4; Leber congenital amaurosis 10; Bardet-Biedl syndrome 14. Last evaluated: 2024-06-13. Review status: criteria provided, single submitter. Criteria: ACMG Guidelines, 2015. Collection method: clinical testing. Allele origin: germline.

GeneDx
Classification: Uncertain significance. Last evaluated: 2024-02-22. Review status: criteria provided, single submitter. Criteria: GeneDx Variant Classification Process June 2021. Collection method: clinical testing. Allele origin: germline. Affected: yes.
Comment: Not observed at significant frequency in large population cohorts (gnomAD); In silico analysis supports that this missense variant has a deleterious effect on protein structure/function; Has not been previously published as pathogenic or benign to our knowledge